The following is an entry in ClinVar:

ClinVar aggregate classification (germline): Likely benign (1 of 4 stars; one submission).

gnomAD v4.1: 79 of 1,614,122 alleles (0.0049%); highest among the groups gnomAD compares: African/African-American, 0.067%; 1 homozygote.

Submission:

CeGaT Center for Human Genetics Tuebingen
Classification: Likely benign. Last evaluated: 2026-06-01. Review status: criteria provided, single submitter. Criteria: CeGaT Center For Human Genetics Tuebingen Variant Classification Criteria Version 2. Collection method: clinical testing. Allele origin: germline. Affected: yes. Observed: 1 variant allele.
Comment: MADD: BP4

NM_001376571.1(MADD):c.485G>A (p.Arg162Gln)

Gene: MADD (MAP kinase activating death domain; plus strand). Cytogenetic location: 11p11.2.
Variant type: single nucleotide variant.
Coding change: c.485G>A on transcript NM_001376571.1 (MANE Select); coding-DNA position 485, G replaced by A.
Protein change: p.Arg162Gln; replaces arginine 162 with glutamine.
Molecular consequence: missense variant. On other transcripts: non-coding transcript variant (8), intron variant (1).
Genome position (GRCh38, 1-based): chr11:47,274,985, G>A. VCF-style: chr11-47274985-G-A. GRCh37 (hg19) VCF-style: chr11-47296536-G-A.
Other names: c.485G>A, p.Arg162Gln (NM_001376579.1, NM_001376580.1, NM_001376581.1 and 80 more transcripts); c.281G>A, p.Arg94Gln (NM_001376626.1, NM_001376627.1, NM_001376644.1 and 9 more transcripts); c.-7-914G>A (NM_001376663.1); short protein forms R162Q, R94Q.
Identifiers: ClinVar variation 4872427 (VCV004872427.2).